The following is an entry in ClinVar:

ClinVar aggregate classification (germline): Uncertain significance. Review status: criteria provided, multiple submitters, no conflicts (2 of 4 stars). 4 submissions from 4 submitters: Uncertain significance (4). Last evaluated 2025-11-22.

Conditions:
Hereditary cancer-predisposing syndrome. Also called: Neoplastic Syndromes, Hereditary; Tumor predisposition; Hereditary neoplastic syndrome; Hereditary Cancer Syndrome. Identifiers: Orphanet 140162, MedGen C0027672, MeSH D009386, MONDO:0015356.
Tuberous sclerosis 2 (TSC2). Identifiers: Orphanet 805, MedGen C1860707, MONDO:0013199, OMIM 613254.
Isolated focal cortical dysplasia type II (FCORD2). Also called: CORTICAL DYSPLASIA OF TAYLOR; Focal cortical dysplasia type II. Identifiers: Orphanet 268994, MedGen C1846385, MONDO:0011818, OMIM 607341, HP:0032051.
Tuberous sclerosis syndrome (TSC). Also called: Tuberous Sclerosis Complex; Tuberous sclerosis. Identifiers: Orphanet 805, MedGen C0041341, MONDO:0001734.

gnomAD v4.1: 2 of 1,614,138 alleles (0.00012%); highest among the groups gnomAD compares: South Asian, 0.0022%; no homozygotes.

Submissions (4):

Labcorp Genetics (formerly Invitae), Labcorp
Classification: Uncertain significance for Tuberous sclerosis 2. Last evaluated: 2025-11-22. Review status: criteria provided, single submitter. Criteria: Invitae Variant Classification Sherloc (09022015). Collection method: clinical testing. Allele origin: germline.
Comment: This sequence change replaces glutamic acid, which is acidic and polar, with glutamine, which is neutral and polar, at codon 193 of the TSC2 protein (p.Glu193Gln). This variant is not present in population databases (gnomAD no frequency). This variant has not been reported in the literature in individuals affected with TSC2-related conditions. ClinVar contains an entry for this variant (Variation ID: 1749603). Invitae Evidence Modeling of protein sequence and biophysical properties (such as structural, functional, and spatial information, amino acid conservation, physicochemical variation, residue mobility, and thermodynamic stability) indicates that this missense variant is not expected to disrupt TSC2 protein function with a negative predictive value of 95%. In summary, the available evidence is currently insufficient to determine the role of this variant in disease. Therefore, it has been classified as a Variant of Uncertain Significance.

Color Diagnostics, LLC DBA Color Health
Classification: Uncertain significance for Tuberous sclerosis syndrome. Last evaluated: 2025-08-05. Review status: criteria provided, single submitter. Criteria: ACMG Guidelines, 2015. Collection method: clinical testing. Allele origin: germline.
Comment: This missense variant replaces glutamic acid with glutamine at codon 193 of the TSC2 protein. Computational prediction suggests that this variant may not impact protein structure and function. To our knowledge, functional studies have not been reported for this variant. This variant has not been reported in individuals affected with TSC2-related disorders in the literature. This variant has not been identified in the general population by the Genome Aggregation Database (gnomAD). The available evidence is insufficient to determine the role of this variant in disease conclusively. Therefore, this variant is classified as a Variant of Uncertain Significance.

Ambry Genetics
Classification: Uncertain significance for Hereditary cancer-predisposing syndrome. Last evaluated: 2024-05-10. Review status: criteria provided, single submitter. Criteria: Ambry Variant Classification Scheme 2023. Collection method: clinical testing. Allele origin: germline.
Comment: The p.E193Q variant (also known as c.577G>C), located in coding exon 5 of the TSC2 gene, results from a G to C substitution at nucleotide position 577. The glutamic acid at codon 193 is replaced by glutamine, an amino acid with highly similar properties. This amino acid position is not well conserved in available vertebrate species. In addition, the in silico prediction for this alteration is inconclusive. Since supporting evidence is limited at this time, the clinical significance of this alteration remains unclear.

Baylor Genetics
Classification: Uncertain significance for Isolated focal cortical dysplasia type II. Last evaluated: 2022-04-13. Review status: criteria provided, single submitter. Criteria: ACMG Guidelines, 2015. Collection method: clinical testing. Allele origin: unknown.

NM_000548.5(TSC2):c.577G>C (p.Glu193Gln)

Gene: TSC2 (TSC complex subunit 2; plus strand). Cytogenetic location: 16p13.3.
Variant type: single nucleotide variant.
Coding change: c.577G>C on transcript NM_000548.5 (MANE Select); coding-DNA position 577, G replaced by C.
Protein change: p.Glu193Gln; replaces glutamic acid 193 with glutamine.
Molecular consequence: missense variant. On other transcripts: intron variant (1).
Genome position (GRCh38, 1-based): chr16:2,055,497, G>C. VCF-style: chr16-2055497-G-C. GRCh37 (hg19) VCF-style: chr16-2105498-G-C.
Other names: c.577G>C, p.Glu193Gln (NM_001077183.3, NM_001114382.3, NM_001363528.2 and 8 more transcripts); c.466G>C, p.Glu156Gln (NM_001318827.2, NM_001406670.1, NM_001406678.1); c.430G>C, p.Glu144Gln (NM_001318829.2, NM_001406675.1, NM_001406676.1 and 1 more transcripts); c.610G>C, p.Glu204Gln (NM_001318832.2); c.667G>C, p.Glu223Gln (NM_001406667.1, NM_001406668.1); c.520G>C, p.Glu174Gln (NM_001406677.1); c.-240G>C (NM_001406680.1, NM_001406683.1, NM_001406687.1); c.115G>C, p.Glu39Gln (NM_001406681.1); and 6 more; short protein forms E144Q, E156Q, E223Q, E174Q, E193Q, E204Q, E39Q.
Identifiers: ClinVar variation 1749603 (VCV001749603.8), dbSNP rs45517112, ClinGen allele CA394309744.